The following is an entry in ClinVar:

ClinVar aggregate classification (germline): Uncertain significance (1 of 4 stars; one submission).

Submission:

GeneDx
Classification: Uncertain significance. Last evaluated: 2014-04-28. Review status: criteria provided, single submitter. Criteria: GeneDx Variant Classification (06012015). Collection method: clinical testing. Allele origin: germline. Affected: yes.
Comment: p.Ile172Met (ATT>ATG): c.516 T>G in exon 4 of the OPA1 gene (NM_015560.2). The I172M variant has not been published as a mutation, or reported as a benign polymorphism to our knowledge. It has not been observed in approximately 6500 individuals of European and African American ancestry in the NHLBI Exome Sequencing Project, indicating it is not a common benign variant in these populations. The I172M variant is a conservative amino acid substitution, which is not likely to impact secondary protein structure as these residues share similar properties. This substitution occurs at a position that is conserved across species. In silico analysis predicts the I172M variant likely does not alter the protein structure/function. Therefore, based on the currently available information, it is unclear whether this variant is a pathogenic mutation or a rare benign variant. The variant is found in MITONUC-MITOP panel(s).

NM_130837.3(OPA1):c.516T>G (p.Ile172Met)

Gene: OPA1 (OPA1 mitochondrial dynamin like GTPase; plus strand). Cytogenetic location: 3q29.
Variant type: single nucleotide variant.
Coding change: c.516T>G on transcript NM_130837.3 (MANE Select); coding-DNA position 516, T replaced by G.
Protein change: p.Ile172Met; replaces isoleucine 172 with methionine.
Molecular consequence: missense variant. On other transcripts: intron variant (5).
Genome position (GRCh38, 1-based): chr3:193,617,245, T>G. VCF-style: chr3-193617245-T-G. GRCh37 (hg19) VCF-style: chr3-193335034-T-G.
Other names: c.144T>G, p.Ile48Met (NM_001354664.2); c.516T>G, p.Ile172Met (NM_015560.3, NM_130834.3, NM_130836.3); c.76+1475T>G (NM_001354663.2); c.449-539T>G (NM_130835.3, NM_130832.3); c.448+1475T>G (NM_130833.3, NM_130831.3); short protein forms I172M, I48M.
Identifiers: ClinVar variation 214896 (VCV000214896.2), dbSNP rs863224126, ClinGen allele CA320486.
Genomic context (GRCh38, chr3:193,617,245, plus strand): 5'-TAGAAAAGCCCTTCCTAGTTCAGAAGACCTTGTAAAGTTAGCACCAGACTTTGACAAGAT[T>G]GTTGAAAGCCTTAGCTTATTGAAGGACTTTTTTACCTCAGGTAAGGAAGAAGCTGTTTGA-3'
Protein context (NP_570850.2, residues 162-182): LVKLAPDFDK[Ile172Met]VESLSLLKDF